The following is an entry in ClinVar:

NM_000144.5(FXN):c.367T>C (p.Tyr123His)

Gene: FXN (frataxin; plus strand). Cytogenetic location: 9q21.11.
Variant type: single nucleotide variant.
Coding change: c.367T>C on transcript NM_000144.5 (MANE Select); coding-DNA position 367, T replaced by C.
Protein change: p.Tyr123His; replaces tyrosine 123 with histidine.
Molecular consequence: missense variant.
Genome position (GRCh38, 1-based): chr9:69,053,243, T>C. VCF-style: chr9-69053243-T-C. GRCh37 (hg19) VCF-style: chr9-71668159-T-C.
Other names: c.367T>C, p.Tyr123His (NM_181425.3); short protein forms Y123H.
Identifiers: ClinVar variation 4532127 (VCV004532127.1).

ClinVar aggregate classification (germline): Uncertain significance (1 of 4 stars; one submission).

Conditions:
Friedreich ataxia 1 (FRDA1). Identifiers: Orphanet 95, MedGen C1856689, MONDO:0100340, OMIM 229300.

Submission:

Victorian Clinical Genetics Services, Murdoch Childrens Research Institute
Classification: Uncertain significance for Friedreich ataxia 1. Last evaluated: 2025-05-14. Review status: criteria provided, single submitter. Criteria: ACMG Guidelines, 2015. Collection method: clinical testing. Allele origin: germline. Affected: yes.
Comment: This variant is classified as VUS-3B. Evidence in support of pathogenic classification: Variant is absent from gnomAD (v2, v3 and v4); Another missense variant comparable to the one identified in this case has limited previous evidence for pathogenicity. p.(Tyr123Asp) has been reported in the literature in an individual with Friedreich ataxia, compound heterozygous with an expanded repeat allele (PMID: 24665325); Missense variant predicted to be damaging by in silico tool(s) or highly conserved with a major amino acid change. Additional information: Variant is predicted to result in a missense amino acid change from tyrosine to histidine; This variant is homozygous; This gene is associated with autosomal recessive disease; Alternative amino acid change(s) at the same position are present in gnomAD (Highest allele count: v4: 3 heterozygote(s), 0 homozygote(s)); This variant has no previous evidence of pathogenicity; No published segregation evidence has been identified for this variant; No published functional evidence has been identified for this variant; Variant is located in the annotated frataxin Cyay domain (DECIPHER); Loss of function is a known mechanism of disease in this gene and is associated with Friedreich ataxia (MIM#229300); Variants in this gene are known to have variable expressivity. Homozygous GAA repeat expansions and compound heterozygous individuals with an expansion and a second variant resulting in a null allele are associated with a more severe and earlier onset phenotype (PMID: 26704351).

Literature cited by the submitters: PubMed 26704351; PubMed 24665325.